The following is an entry in ClinVar:

NM_000426.4(LAMA2):c.5748C>G (p.Asn1916Lys)

Gene: LAMA2 (laminin subunit alpha 2; plus strand). Cytogenetic location: 6q22.33.
Variant type: single nucleotide variant.
Coding change: c.5748C>G on transcript NM_000426.4 (MANE Select); coding-DNA position 5748, C replaced by G.
Protein change: p.Asn1916Lys; replaces asparagine 1916 with lysine.
Molecular consequence: missense variant.
Genome position (GRCh38, 1-based): chr6:129,403,842, C>G. VCF-style: chr6-129403842-C-G. GRCh37 (hg19) VCF-style: chr6-129724987-C-G.
Other names: c.5748C>G, p.Asn1916Lys (NM_001079823.2); short protein forms N1916K.
Identifiers: ClinVar variation 578417 (VCV000578417.10), dbSNP rs1562532975, ClinGen allele CA365616913.

ClinVar aggregate classification (germline): Uncertain significance (1 of 4 stars; one submission).

Conditions:
LAMA2-related muscular dystrophy (LAMA2-RD). Also called: Laminin alpha 2-related dystrophy. Identifiers: MedGen C5679788, MONDO:0100228.

Submission:

Labcorp Genetics (formerly Invitae), Labcorp
Classification: Uncertain significance for LAMA2-related muscular dystrophy. Last evaluated: 2022-08-23. Review status: criteria provided, single submitter. Criteria: Invitae Variant Classification Sherloc (09022015). Collection method: clinical testing. Allele origin: germline.
Comment: In summary, the available evidence is currently insufficient to determine the role of this variant in disease. Therefore, it has been classified as a Variant of Uncertain Significance. Advanced modeling of protein sequence and biophysical properties (such as structural, functional, and spatial information, amino acid conservation, physicochemical variation, residue mobility, and thermodynamic stability) performed at Invitae indicates that this missense variant is not expected to disrupt LAMA2 protein function. ClinVar contains an entry for this variant (Variation ID: 578417). This variant has not been reported in the literature in individuals affected with LAMA2-related conditions. This variant is not present in population databases (gnomAD no frequency). This sequence change replaces asparagine, which is neutral and polar, with lysine, which is basic and polar, at codon 1916 of the LAMA2 protein (p.Asn1916Lys).